The following is an entry in ClinVar:

NM_000455.5(STK11):c.24G>C (p.Gln8His)

Gene: STK11 (serine/threonine kinase 11; plus strand). Cytogenetic location: 19p13.3.
Variant type: single nucleotide variant.
Coding change: c.24G>C on transcript NM_000455.5 (MANE Select); coding-DNA position 24, G replaced by C.
Protein change: p.Gln8His; replaces glutamine 8 with histidine.
Molecular consequence: missense variant.
Genome position (GRCh38, 1-based): chr19:1,206,937, G>C. VCF-style: chr19-1206937-G-C. GRCh37 (hg19) VCF-style: chr19-1206936-G-C.
Other names: short protein forms Q8H.
Identifiers: ClinVar variation 458035 (VCV000458035.11), dbSNP rs1379630288, ClinGen allele CA402943086.
Genomic context (GRCh38, chr19:1,206,937, plus strand): 5'-AGGGCTGGCGGCGGGACTCCAGGACCCTGGGTCCAGCATGGAGGTGGTGGACCCGCAGCA[G>C]CTGGGCATGTTCACGGAGGGCGAGCTGATGTCGGTGGGTATGGACACGTTCATCCACCGC-3'
Protein context (NP_000446.1, residues 1-18): MEVVDPQ[Gln8His]LGMFTEGELM

ClinVar aggregate classification (germline): Conflicting classifications of pathogenicity. Review status: criteria provided, conflicting classifications (1 of 4 stars). 2 submissions from 2 submitters: Uncertain significance (1); Likely benign (1). Last evaluated 2023-12-08.

Conditions:
Hereditary cancer-predisposing syndrome. Also called: Hereditary Cancer Syndrome; Hereditary neoplastic syndrome; Tumor predisposition; Neoplastic Syndromes, Hereditary. Identifiers: Orphanet 140162, MedGen C0027672, MeSH D009386, MONDO:0015356.
Peutz-Jeghers syndrome (PJS). Also called: POLYPOSIS, HAMARTOMATOUS INTESTINAL; POLYPS-AND-SPOTS SYNDROME; Peutz-Jeghers polyposis; Periorificial lentiginosis syndrome. Identifiers: Orphanet 2869, MedGen C0031269, MeSH D010580, MONDO:0008280, OMIM 175200.

Submissions (2):

Ambry Genetics
Classification: Likely benign for Hereditary cancer-predisposing syndrome. Last evaluated: 2023-12-08. Review status: criteria provided, single submitter. Criteria: Ambry Variant Classification Scheme 2023. Collection method: clinical testing. Allele origin: germline.

Labcorp Genetics (formerly Invitae), Labcorp
Classification: Uncertain significance for Peutz-Jeghers syndrome. Last evaluated: 2020-11-10. Review status: criteria provided, single submitter. Criteria: Invitae Variant Classification Sherloc (09022015). Collection method: clinical testing. Allele origin: germline.
Comment: In summary, this variant has uncertain impact on STK11 function. The available evidence is currently insufficient to determine its role in disease. Therefore, it has been classified as a Variant of Uncertain Significance. Algorithms developed to predict the effect of missense changes on protein structure and function do not agree on the potential impact of this missense change (SIFT: "Deleterious"; PolyPhen-2: "Benign"; Align-GVGD: "Class C0"). This variant has not been reported in the literature in individuals with a STK11-related disease. This variant is not present in population databases (ExAC no frequency). This sequence change replaces glutamine with histidine at codon 8 of the STK11 protein (p.Gln8His). The glutamine residue is moderately conserved and there is a small physicochemical difference between glutamine and histidine.